The following is an entry in ClinVar:

ClinVar aggregate classification (germline): Uncertain significance (1 of 4 stars; one submission).

Submission:

GeneDx
Classification: Uncertain significance. Last evaluated: 2024-11-11. Review status: criteria provided, single submitter. Criteria: GeneDx Variant Classification Process June 2021. Collection method: clinical testing. Allele origin: germline. Affected: yes.
Comment: Not observed at significant frequency in large population cohorts (gnomAD); In-frame deletion of 1 amino acid(s) in a non-repeat region; In silico analysis indicates that this variant does not alter protein structure/function; Has not been previously published as pathogenic or benign to our knowledge

NM_170606.3(KMT2C):c.599CTC[1] (p.Pro201del)

Gene: KMT2C (lysine methyltransferase 2C; minus strand). Cytogenetic location: 7q36.1.
Variant type: Microsatellite.
Coding change: c.599CTC[1] on transcript NM_170606.3 (MANE Select); one copy of the 3-base unit CTC starting at c.599; the reference has two copies in a row; one copy, 3 bases deleted.
Protein change: p.Pro201del; deletes proline 201.
Molecular consequence: inframe deletion.
Genome position (GRCh38, 1-based): chr7:152,311,933-152,311,935, GAG deleted on the plus strand (CTC on the coding strand, the reverse complement: KMT2C is on the minus strand); deleting any 3 consecutive bases within chr7:152,311,933-152,311,938 gives the same sequence; the position shown is the placement nearest the transcript's 3' end. VCF-style (leftmost placement, unchanged base first): chr7-152311932-TGAG-T. GRCh37 (hg19) VCF-style: chr7-152009017-TGAG-T.
Other names: short protein forms P201del.
Identifiers: ClinVar variation 3899579 (VCV003899579.1).